The following is an entry in ClinVar:

NM_006031.6(PCNT):c.5392G>A (p.Ala1798Thr)

Gene: PCNT (pericentrin; plus strand). Cytogenetic location: 21q22.3.
Variant type: single nucleotide variant.
Coding change: c.5392G>A on transcript NM_006031.6 (MANE Select); coding-DNA position 5392, G replaced by A.
Protein change: p.Ala1798Thr; replaces alanine 1798 with threonine.
Molecular consequence: missense variant.
Genome position (GRCh38, 1-based): chr21:46,411,465, G>A. VCF-style: chr21-46411465-G-A. GRCh37 (hg19) VCF-style: chr21-47831379-G-A.
Other names: c.5038G>A, p.Ala1680Thr (NM_001315529.2); short protein forms A1680T, A1798T.
Identifiers: ClinVar variation 1396453 (VCV001396453.6), dbSNP rs1484070171, ClinGen allele CA410553248.
Genomic context (GRCh38, chr21:46,411,465, plus strand): 5'-TCCCAGGCCGGGGGCCCTCGTGGGCAGGCCCTACAGGGCGAGCTCGAGGCTGCGCTGGAA[G>A]CCAAGGAGGCCCTGAGCCGGCTGCTGGCTGACCAGGAGCGCAGGCACAGCCAGGCCCTGG-3'
Protein context (NP_006022.3, residues 1788-1808): LQGELEAALE[Ala1798Thr]KEALSRLLAD

ClinVar aggregate classification (germline): Uncertain significance (1 of 4 stars; one submission).

Allele frequency attached by ClinVar (database versions not stated): TOPMed below 0.00001.

Submission:

Labcorp Genetics (formerly Invitae), Labcorp
Classification: Uncertain significance. Last evaluated: 2024-11-25. Review status: criteria provided, single submitter. Criteria: Invitae Variant Classification Sherloc (09022015). Collection method: clinical testing. Allele origin: germline.
Comment: This sequence change replaces alanine, which is neutral and non-polar, with threonine, which is neutral and polar, at codon 1798 of the PCNT protein (p.Ala1798Thr). This variant is not present in population databases (gnomAD no frequency). This variant has not been reported in the literature in individuals affected with PCNT-related conditions. ClinVar contains an entry for this variant (Variation ID: 1396453). An algorithm developed to predict the effect of missense changes on protein structure and function (PolyPhen-2) suggests that this variant is likely to be disruptive. In summary, the available evidence is currently insufficient to determine the role of this variant in disease. Therefore, it has been classified as a Variant of Uncertain Significance.